The following is an entry in ClinVar:

ClinVar aggregate classification (germline): Uncertain significance (1 of 4 stars; one submission).

Conditions:
Shukla-Vernon syndrome. Identifiers: MedGen C5193146, MONDO:0026727, OMIM 301029.

Allele frequency attached by ClinVar (database versions not stated): TOPMed below 0.00001; gnomAD 0.00001; gnomAD exomes 0.00001.
gnomAD v4.1: 8 of 1,208,138 alleles (0.00066%); highest among the groups gnomAD compares: Non-Finnish European, 0.00089%; no homozygotes.

Submission:

Victorian Clinical Genetics Services, Murdoch Childrens Research Institute
Classification: Uncertain significance for Shukla-Vernon syndrome. Last evaluated: 2022-06-24. Review status: criteria provided, single submitter. Criteria: ACMG Guidelines, 2015. Collection method: clinical testing. Allele origin: germline. Inheritance: X-linked recessive inheritance. Affected: yes.
Comment: Based on the classification scheme VCGS_Germline_v1.3.4, this variant is classified as VUS-3C. Following criteria are met: 0105 - The mechanism of disease for this gene is not clearly established. (I) 0109 - This gene is associated with X-linked recessive disease. Carrier females may have mild manifestations (PMID: 33810051). (I) 0115 - Variants in this gene are known to have variable expressivity. The degree of intellectual disability varies from mild to severe among patients (PMID: 33810051). (I) 0200 - Variant is predicted to result in a missense amino acid change from serine to leucine. (I) 0253 - This variant is hemizygous. (I) 0304 - Variant is present in gnomAD <0.01 for a recessive condition (v2: 1 heterozygote, 0 homozygotes, 0 hemizygotes). (SP) 0503 - Missense variant consistently predicted to be tolerated by multiple in silico tools or not conserved in placental mammals with a minor amino acid change. (SB) 0604 - Variant is not located in an established domain, motif, hotspot or informative constraint region. (I) 0705 - No comparable missense variants have previous evidence for pathogenicity. (I) 0807 - This variant has no previous evidence of pathogenicity. (I) 0905 - No published segregation evidence has been identified for this variant. (I) 1007 - No published functional evidence has been identified for this variant. (I) Legend: (SP) - Supporting pathogenic, (I) - Information, (SB) - Supporting benign

Literature cited by the submitters: PubMed 33810051.

NM_001379451.1(BCORL1):c.4184C>T (p.Ser1395Leu)

Gene: BCORL1 (BCL6 corepressor like 1; plus strand). Cytogenetic location: Xq26.1.
Variant type: single nucleotide variant.
Coding change: c.4184C>T on transcript NM_001379451.1 (MANE Select); coding-DNA position 4184, C replaced by T.
Protein change: p.Ser1395Leu; replaces serine 1395 with leucine.
Molecular consequence: missense variant.
Genome position (GRCh38, 1-based): chrX:130,028,740, C>T. VCF-style: chrX-130028740-C-T. GRCh37 (hg19) VCF-style: chrX-129162715-C-T.
Other names: c.4184C>T, p.Ser1395Leu (NM_001184772.3, NM_001379450.1, NM_021946.5); short protein forms S1395L.
Identifiers: ClinVar variation 1699046 (VCV001699046.3), dbSNP rs1223782435, ClinGen allele CA414553765.